The following is an entry in ClinVar:

ClinVar aggregate classification (germline): Uncertain significance (1 of 4 stars; one submission).

Allele frequency attached by ClinVar (database versions not stated): ExAC 0.00004; gnomAD exomes 0.00004 and 0.00012; TOPMed 0.00005; gnomAD 0.00006; ESP Exome Variant Server 0.00015.
gnomAD v4.1: 180 of 1,614,012 alleles (0.011%); highest among the groups gnomAD compares: Non-Finnish European, 0.014%; no homozygotes.

Submission:

Labcorp Genetics (formerly Invitae), Labcorp
Classification: Uncertain significance. Last evaluated: 2025-12-17. Review status: criteria provided, single submitter. Criteria: Invitae Variant Classification Sherloc (09022015). Collection method: clinical testing. Allele origin: germline.
Comment: This sequence change replaces valine, which is neutral and non-polar, with isoleucine, which is neutral and non-polar, at codon 2069 of the ATR protein (p.Val2069Ile). This variant is present in population databases (rs140633834, gnomAD 0.007%). This variant has not been reported in the literature in individuals affected with ATR-related conditions. ClinVar contains an entry for this variant (Variation ID: 957628). An algorithm developed to predict the effect of missense changes on protein structure and function (PolyPhen-2) suggests that this variant is likely to be tolerated. In summary, the available evidence is currently insufficient to determine the role of this variant in disease. Therefore, it has been classified as a Variant of Uncertain Significance.

NM_001184.4(ATR):c.6205G>A (p.Val2069Ile)

Genes: ATR (ATR checkpoint kinase; minus strand), LOC126806830 (BRD4-independent group 4 enhancer GRCh37_chr3:142203676-142204875; plus strand). Cytogenetic location: 3q23.
Variant type: single nucleotide variant.
Coding change: c.6205G>A on transcript NM_001184.4 (MANE Select); coding-DNA position 6205, G replaced by A.
Protein change: p.Val2069Ile; replaces valine 2069 with isoleucine.
Molecular consequence: missense variant.
Genome position (GRCh38, 1-based): chr3:142,485,156, C>T on the plus strand (G>A on the coding strand, the complement: ATR is on the minus strand). VCF-style: chr3-142485156-C-T. GRCh37 (hg19) VCF-style: chr3-142203998-C-T.
Other names: c.6013G>A, p.Val2005Ile (NM_001354579.2); short protein forms V2069I, V2005I.
Identifiers: ClinVar variation 957628 (VCV000957628.9), dbSNP rs140633834, ClinGen allele CA2649396.